The following is an entry in ClinVar:

ClinVar aggregate classification (germline): Likely benign. Review status: criteria provided, multiple submitters, no conflicts (2 of 4 stars). 2 submissions from 2 submitters: Likely benign (2). Last evaluated 2022-04-14.

Conditions:
Inborn genetic diseases. Identifiers: MedGen C0950123, MeSH D030342.

Allele frequency attached by ClinVar (database versions not stated): ExAC 0.00002; ESP Exome Variant Server 0.00008; gnomAD exomes 0.00002; gnomAD 0.00004; TOPMed 0.00003.
gnomAD v4.1: 26 of 1,613,374 alleles (0.0016%); highest among the groups gnomAD compares: African/African-American, 0.0067%; no homozygotes.

Submissions (2):

Ambry Genetics
Classification: Likely benign for Inborn genetic diseases. Last evaluated: 2022-04-14. Review status: criteria provided, single submitter. Criteria: Ambry Variant Classification Scheme 2023. Collection method: clinical testing. Allele origin: germline.

GeneDx
Classification: Likely benign. Last evaluated: 2016-08-17. Review status: criteria provided, single submitter. Criteria: GeneDx Variant Classification (06012015). Collection method: clinical testing. Allele origin: germline. Affected: yes.
Comment: This variant is considered likely benign or benign based on one or more of the following criteria: it is a conservative change, it occurs at a poorly conserved position in the protein, it is predicted to be benign by multiple in silico algorithms, and/or has population frequency not consistent with disease.

NM_153603.4(COG7):c.1887C>T (p.Asn629=)

Gene: COG7 (component of oligomeric golgi complex 7; minus strand). Cytogenetic location: 16p12.2.
Variant type: single nucleotide variant.
Coding change: c.1887C>T on transcript NM_153603.4 (MANE Select); coding-DNA position 1887, C replaced by T.
Protein change: p.Asn629=; no amino-acid change (asparagine 629 retained).
Molecular consequence: synonymous variant.
Genome position (GRCh38, 1-based): chr16:23,398,046, G>A on the plus strand (C>T on the coding strand, the complement: COG7 is on the minus strand). VCF-style: chr16-23398046-G-A. GRCh37 (hg19) VCF-style: chr16-23409367-G-A.
Identifiers: ClinVar variation 388352 (VCV000388352.3), dbSNP rs111413151, ClinGen allele CA7960850.